The following is an entry in ClinVar:

ClinVar aggregate classification (germline): Conflicting classifications of pathogenicity. Review status: criteria provided, conflicting classifications (1 of 4 stars). 3 submissions from 3 submitters: Uncertain significance (1); Benign (1). 1 of the submissions does not count toward it. Last evaluated 2019-10-17.

Conditions:
Mitochondrial disease. Also called: Mitochondrial disorder; Mitochondrial disorders. Identifiers: Orphanet 68380, MedGen C0751651, MeSH D028361, MONDO:0044970.
Leigh syndrome (NULS). Also called: Leigh's necrotizing encephalopathy; Leigh's disease; Leigh's syndrome; LEIGH SYNDROME, NUCLEAR; Leigh Disease; Leigh Syndrome (mtDNA deletion). Identifiers: Orphanet 506, MedGen C2931891, MONDO:0009723, OMIM 256000.
Mitochondrial complex IV deficiency, nuclear type 1 (MC4DN1). Also called: COX DEFICIENCY; Mitochondrial complex IV deficiency; Complex 4 mitochondrial respiratory chain deficiency; Deficiency of mitochondrial respiratory chain complex4; Complex IV deficiency. Identifiers: MedGen C5435656, MONDO:0700250, OMIM 220110. Disease mechanism: loss of function.

Submissions (3):

Wong Mito Lab, Molecular and Human Genetics, Baylor College of Medicine
Classification: Benign for Leigh syndrome. Last evaluated: 2019-10-17. Review status: criteria provided, single submitter. Criteria: Modified ACMG Guidelines (Unpublished). Collection method: clinical testing. Allele origin: germline.
Comment: The NC_012920.1:m.6480G>A (YP_003024028.1:p.Val193Ile) variant in MTCO1 gene is interpretated to be a Benign variant based on the modified ACMG guidelines (unpublished). This variant meets the following evidence codes: BS1, BS4, BP4

Illumina Laboratory Services, Illumina
Classification: Uncertain significance for Mitochondrial disease. Last evaluated: 2019-01-18. Review status: criteria provided, single submitter. Criteria: ICSLVariantClassificationCriteria RUGD 01 April 2020. Collection method: clinical testing. Allele origin: unknown.
Comment: The MT-COX1 m.6480G>A p.(Val193Ile) missense has been identified in individuals with a phenotype consistent with primary mitochondrial disease (Jaksch et al. 1998a; Jaksch et al. 1998b; Puomila et al. 2007; Cai et al. 2008). In several individuals, a second mitochondrial variant was also identified. The variant has also been reported in two of at least 851 controls, including in one individual who was homoplasmic (Jaksch et al. 1998a; Jaksch et al. 1998b; Cai et al. 2008; Dobrowolski et al. 2009; Ray et al. 2009). Based on the available evidence, the m.6480G>A variant is classified as a variant of uncertain significance for primary mitochondrial disease.

OMIM
Classification: Pathogenic for CYTOCHROME c OXIDASE DEFICIENCY. Last evaluated: 1998-11-01. Review status: no assertion criteria provided. Collection method: literature only. Allele origin: germline. Not counted in ClinVar's aggregate classification.

Literature cited by the submitters: PubMed 9832034 (cited by OMIM).

NC_012920.1(MT-CO1):m.6480G>A

Gene: MT-CO1 (mitochondrially encoded cytochrome c oxidase I; plus strand).
Variant type: single nucleotide variant.
Genome position: chrM-6480-G-A.
Identifiers: ClinVar variation 9666 (VCV000009666.3), dbSNP rs199476128, ClinGen allele CA120611.
Genomic context (GRCh38, chrMT:6,480, plus strand): 5'-CCCCCTGCCATAACCCAATACCAAACGCCCCTCTTCGTCTGATCCGTCCTAATCACAGCA[G>A]TCCTACTTCTCCTATCTCTCCCAGTCCTAGCTGCTGGCATCACTATACTACTAACAGACC-3'